The following is an entry in ClinVar:

ClinVar aggregate classification (germline): Uncertain significance (1 of 4 stars; one submission).

Submission:

Labcorp Genetics (formerly Invitae), Labcorp
Classification: Uncertain significance. Last evaluated: 2025-11-06. Review status: criteria provided, single submitter. Criteria: Invitae Variant Classification Sherloc (09022015). Collection method: clinical testing. Allele origin: germline.
Comment: This sequence change replaces alanine, which is neutral and non-polar, with threonine, which is neutral and polar, at codon 143 of the ANXA11 protein (p.Ala143Thr). The frequency data for this variant in the population databases is considered unreliable, as metrics indicate poor data quality at this position in the gnomAD database. This variant has not been reported in the literature in individuals affected with ANXA11-related conditions. An algorithm developed to predict the effect of missense changes on protein structure and function outputs the following: PolyPhen-2: "Not Available". The threonine amino acid residue is found in multiple mammalian species, which suggests that this missense change does not adversely affect protein function. In summary, the available evidence is currently insufficient to determine the role of this variant in disease. Therefore, it has been classified as a Variant of Uncertain Significance.

NM_145868.2(ANXA11):c.427G>A (p.Ala143Thr)

Gene: ANXA11 (annexin A11; minus strand). Cytogenetic location: 10q22.3.
Variant type: single nucleotide variant.
Coding change: c.427G>A on transcript NM_145868.2 (MANE Select); coding-DNA position 427, G replaced by A.
Protein change: p.Ala143Thr; replaces alanine 143 with threonine.
Molecular consequence: missense variant.
Genome position (GRCh38, 1-based): chr10:80,169,103, C>T on the plus strand (G>A on the coding strand, the complement: ANXA11 is on the minus strand). VCF-style: chr10-80169103-C-T. GRCh37 (hg19) VCF-style: chr10-81928859-C-T.
Other names: c.427G>A, p.Ala143Thr (NM_001157.3, NM_001278407.2, NM_001278408.2 and 1 more transcripts); c.328G>A, p.Ala110Thr (NM_001278409.2); short protein forms A110T, A143T.
Identifiers: ClinVar variation 4744706 (VCV004744706.1).